The following is an entry in ClinVar:

ClinVar aggregate classification (germline): Uncertain significance (1 of 4 stars; one submission).

Submission:

Labcorp Genetics (formerly Invitae), Labcorp
Classification: Uncertain significance. Last evaluated: 2022-07-17. Review status: criteria provided, single submitter. Criteria: Invitae Variant Classification Sherloc (09022015). Collection method: clinical testing. Allele origin: germline.
Comment: In summary, the available evidence is currently insufficient to determine the role of this variant in disease. Therefore, it has been classified as a Variant of Uncertain Significance. Experimental studies and prediction algorithms are not available or were not evaluated, and the functional significance of this variant is currently unknown. This variant has not been reported in the literature in individuals affected with RNASEH1-related conditions. This variant results in a copy number gain of the genomic region encompassing exon(s) 1-3 of the RNASEH1 gene. This region includes the initiator codon of the gene. This copy number gain extends beyond the assayed region for this gene and therefore may encompass additional genes. As the precise location of this event is unknown, it may be in tandem or it may be located elsewhere in the genome.

NC_000002.11:g.(?_3599714)_(3605850_?)dup

Gene: RNASEH1 (ribonuclease H1; minus strand). Cytogenetic location: 2p25.3.
Variant type: Duplication.
Identifiers: ClinVar variation 2424573 (VCV002424573.5).